The following is an entry in ClinVar:

NM_032229.3(SLITRK6):c.563T>A (p.Leu188Gln)

Gene: SLITRK6 (SLIT and NTRK like family member 6; minus strand). Cytogenetic location: 13q31.1.
Variant type: single nucleotide variant.
Coding change: c.563T>A on transcript NM_032229.3 (MANE Select); coding-DNA position 563, T replaced by A.
Protein change: p.Leu188Gln; replaces leucine 188 with glutamine.
Molecular consequence: missense variant.
Genome position (GRCh38, 1-based): chr13:85,795,946, A>T on the plus strand (T>A on the coding strand, the complement: SLITRK6 is on the minus strand). VCF-style: chr13-85795946-A-T. GRCh37 (hg19) VCF-style: chr13-86370081-A-T.
Other names: short protein forms L188Q.
Identifiers: ClinVar variation 3774727 (VCV003774727.1).

ClinVar aggregate classification (germline): Uncertain significance (1 of 4 stars; one submission).

Submission:

GeneDx
Classification: Uncertain significance. Last evaluated: 2024-09-26. Review status: criteria provided, single submitter. Criteria: GeneDx Variant Classification Process June 2021. Collection method: clinical testing. Allele origin: germline. Affected: yes.
Comment: Not observed at significant frequency in large population cohorts (gnomAD); In silico analysis supports that this missense variant has a deleterious effect on protein structure/function; Has not been previously published as pathogenic or benign to our knowledge